The following is an entry in ClinVar:

NM_000275.3(OCA2):c.1883C>G (p.Thr628Arg)

Gene: OCA2 (OCA2 melanosomal transmembrane protein; minus strand). Cytogenetic location: 15q13.1.
Variant type: single nucleotide variant.
Coding change: c.1883C>G on transcript NM_000275.3 (MANE Select); coding-DNA position 1883, C replaced by G.
Protein change: p.Thr628Arg; replaces threonine 628 with arginine.
Molecular consequence: missense variant.
Genome position (GRCh38, 1-based): chr15:27,951,852, G>C on the plus strand (C>G on the coding strand, the complement: OCA2 is on the minus strand). VCF-style: chr15-27951852-G-C. GRCh37 (hg19) VCF-style: chr15-28196998-G-C.
Other names: c.1811C>G, p.Thr604Arg (NM_001300984.2); short protein forms T604R, T628R.
Identifiers: ClinVar variation 3689655 (VCV003689655.3).

ClinVar aggregate classification (germline): Conflicting classifications of pathogenicity. Review status: criteria provided, conflicting classifications (1 of 4 stars). 2 submissions from 2 submitters: Likely pathogenic (1); Uncertain significance (1). Last evaluated 2026-01-19.

Submissions (2):

Labcorp Genetics (formerly Invitae), Labcorp
Classification: Likely pathogenic. Last evaluated: 2026-01-19. Review status: criteria provided, single submitter. Criteria: Invitae Variant Classification Sherloc (09022015). Collection method: clinical testing. Allele origin: germline.
Comment: This sequence change replaces threonine, which is neutral and polar, with arginine, which is basic and polar, at codon 628 of the OCA2 protein (p.Thr628Arg). This variant is not present in population databases (gnomAD no frequency). This missense change has been observed in individual(s) with clinical features of oculocutaneous albinism (internal data). In at least one individual the data is consistent with being in trans (on the opposite chromosome) from a pathogenic variant. ClinVar contains an entry for this variant (Variation ID: 3689655). Invitae Evidence Modeling of protein sequence and biophysical properties (such as structural, functional, and spatial information, amino acid conservation, physicochemical variation, residue mobility, and thermodynamic stability) indicates that this missense variant is not expected to disrupt OCA2 protein function with a negative predictive value of 80%. In summary, the currently available evidence indicates that the variant is pathogenic, but additional data are needed to prove that conclusively. Therefore, this variant has been classified as Likely Pathogenic.

Blueprint Genetics
Classification: Uncertain significance. Last evaluated: 2024-04-26. Review status: criteria provided, single submitter. Criteria: ACMG Guidelines, 2015. Collection method: clinical testing. Allele origin: germline.